The following is an entry in ClinVar:

ClinVar aggregate classification (germline): Pathogenic (1 of 4 stars; one submission).

Submission:

Labcorp Genetics (formerly Invitae), Labcorp
Classification: Pathogenic. Last evaluated: 2024-03-16. Review status: criteria provided, single submitter. Criteria: Invitae Variant Classification Sherloc (09022015). Collection method: clinical testing. Allele origin: germline.
Comment: This sequence change creates a premature translational stop signal (p.Gly1375Alafs*13) in the CDH23 gene. It is expected to result in an absent or disrupted protein product. Loss-of-function variants in CDH23 are known to be pathogenic (PMID: 11138009, 21940737). This variant is not present in population databases (gnomAD no frequency). This variant has not been reported in the literature in individuals affected with CDH23-related conditions. For these reasons, this variant has been classified as Pathogenic.

Literature cited by the submitters: PubMed 11138009; PubMed 21940737.

NM_022124.6(CDH23):c.4124del (p.Gly1375fs)

Genes: C10orf105 (chromosome 10 open reading frame 105; minus strand), CDH23 (cadherin related 23; plus strand). Cytogenetic location: 10q22.1.
Variant type: Deletion.
Coding change: c.4124del on transcript NM_022124.6 (MANE Select); coding-DNA position 4124, one base deleted (G; older notation c.4124delG).
Protein change: p.Gly1375fs; shifts the reading frame from glycine 1375.
Molecular consequence: frameshift variant. On other transcripts: intron variant (1).
Genome position (GRCh38, 1-based): chr10:71,734,259, G deleted; the last of 3 consecutive G bases (chr10:71,734,257-71,734,259); deleting any one gives the same sequence. VCF-style (leftmost placement, unchanged base first): chr10-71734256-AG-A. GRCh37 (hg19) VCF-style: chr10-73494013-AG-A.
Other names: c.-6+3471del (NM_001168390.2); short protein forms G1375fs.
Identifiers: ClinVar variation 3632396 (VCV003632396.2).